The following is an entry in ClinVar:

ClinVar aggregate classification (germline): Uncertain significance (1 of 4 stars; one submission).

Conditions:
Charcot-Marie-Tooth disease dominant intermediate C (CMTDIC). Also called: CHARCOT-MARIE-TOOTH NEUROPATHY, DOMINANT INTERMEDIATE C. Identifiers: Orphanet 100045, MedGen C1842237, MONDO:0012012, OMIM 608323.

Submission:

Labcorp Genetics (formerly Invitae), Labcorp
Classification: Uncertain significance for Charcot-Marie-Tooth disease dominant intermediate C. Last evaluated: 2025-08-26. Review status: criteria provided, single submitter. Criteria: Invitae Variant Classification Sherloc (09022015). Collection method: clinical testing. Allele origin: germline.
Comment: This sequence change replaces alanine, which is neutral and non-polar, with valine, which is neutral and non-polar, at codon 181 of the YARS protein (p.Ala181Val). This variant is not present in population databases (gnomAD no frequency). This variant has not been reported in the literature in individuals affected with YARS-related conditions. Invitae Evidence Modeling of protein sequence and biophysical properties (such as structural, functional, and spatial information, amino acid conservation, physicochemical variation, residue mobility, and thermodynamic stability) indicates that this missense variant is not expected to disrupt YARS protein function with a negative predictive value of 80%. In summary, the available evidence is currently insufficient to determine the role of this variant in disease. Therefore, it has been classified as a Variant of Uncertain Significance.

NM_003680.4(YARS1):c.542C>T (p.Ala181Val)

Gene: YARS1 (tyrosyl-tRNA synthetase 1; minus strand). Cytogenetic location: 1p35.1.
Variant type: single nucleotide variant.
Coding change: c.542C>T on transcript NM_003680.4 (MANE Select); coding-DNA position 542, C replaced by T.
Protein change: p.Ala181Val; replaces alanine 181 with valine.
Molecular consequence: missense variant.
Genome position (GRCh38, 1-based): chr1:32,797,812, G>A on the plus strand (C>T on the coding strand, the complement: YARS1 is on the minus strand). VCF-style: chr1-32797812-G-A. GRCh37 (hg19) VCF-style: chr1-33263413-G-A.
Other names: short protein forms A181V.
Identifiers: ClinVar variation 4735434 (VCV004735434.1).